The following is an entry in ClinVar:

NM_005861.4(STUB1):c.860AGG[1] (p.Glu288del)

Genes: JMJD8 (jumonji domain containing 8; minus strand), STUB1 (STIP1 homology and U-box containing protein 1; plus strand). Cytogenetic location: 16p13.3.
Variant type: Microsatellite.
Coding change: c.860AGG[1] on transcript NM_005861.4 (MANE Select); one copy of the 3-base unit AGG starting at c.860; the reference has two copies in a row; one copy, 3 bases deleted.
Protein change: p.Glu288del; deletes glutamic acid 288.
Molecular consequence: inframe deletion. On other transcripts: 3 prime UTR variant (5), non-coding transcript variant (3).
Genome position (GRCh38, 1-based): chr16:682,440-682,442, AGG deleted; deleting any 3 consecutive bases within chr16:682,437-682,442 gives the same sequence; the position shown is the placement nearest the transcript's 3' end. VCF-style (leftmost placement, unchanged base first): chr16-682436-AAGG-A. GRCh37 (hg19) VCF-style: chr16-732436-AAGG-A.
Other names: c.863_865delAGG (NM_005861.3); c.644AGG[1], p.Glu216del (NM_001293197.2); c.*352CCT[1] (NM_001005920.4, NM_001323919.3, NM_001323920.3); c.*386CCT[1] (NM_001323918.3, NM_001323922.3); short protein forms E216del, E288del.
Identifiers: ClinVar variation 1335192 (VCV001335192.36), dbSNP rs770947195, ClinGen allele CA7786865.
Genomic context (GRCh38, chr16:682,436, plus strand): 5'-TTTGACCCCGTGACCCGGAGCCCCCTGACCCAGGAACAGCTCATCCCCAACTTGGCTATG[AAGG>A]AGGTTATTGACGCATTCATCTCTGAGAATGGCTGGGTGGAGGACTACTGAGGTTCCCTGC-3'

ClinVar aggregate classification (germline): Conflicting classifications of pathogenicity. Review status: criteria provided, conflicting classifications (1 of 4 stars). 2 submissions from 2 submitters: Likely pathogenic (1); Uncertain significance (1). Last evaluated 2021-10-01.

Conditions:
Autosomal recessive spinocerebellar ataxia 16. Identifiers: Orphanet 412057, MedGen C5190574, MONDO:0014339, OMIM 615768.

Submissions (2):

CeGaT Center for Human Genetics Tuebingen
Classification: Likely pathogenic. Last evaluated: 2021-10-01. Review status: criteria provided, single submitter. Criteria: CeGaT Center For Human Genetics Tuebingen Variant Classification Criteria Version 2. Collection method: clinical testing. Allele origin: germline. Affected: yes. Observed: 1 variant allele.

Victorian Clinical Genetics Services, Murdoch Childrens Research Institute
Classification: Uncertain significance for Autosomal recessive spinocerebellar ataxia 16. Last evaluated: 2020-05-26. Review status: criteria provided, single submitter. Criteria: ACMG Guidelines, 2015. Collection method: clinical testing. Allele origin: germline.
Comment: Based on the classification scheme VCGS_Germline_v1.1.1, this variant is classified as a VUS – 3A. The following criteria are met: 0102 - Loss-of-function is a known mechanism of disease for this gene. (N) 0108 - This gene is known to be associated with both recessive and dominant disease, where all variant types have been reported for dominant disease, but thus far only missense have been reported for recessive disease (PMID: 31126790, PMID: 30381368). (N) 0213 - In-frame insertion/deletion in a non-repetitive region that has high conservation. (P) 0251 - Variant is heterozygous. (N) 0507 - Identified variant type is not compatible with in silico predictions of pathogenicity. (N) 0600 - Variant is located in an annotated domain or motif, (U-box; PDB, NCBI). (N) 0705 - No comparable variants have previous evidence for pathogenicity. (N) 0807 - Variant has not previously been reported in a clinical context. (N) 0905 - No segregation evidence has been identified for this variant. (N) 1007 - No published functional evidence has been identified for this variant. (N) Legend: (P) - Pathogenic, (N) - Neutral, (B) - Benign

Literature cited by the submitters: PubMed 30381368 (cited by Victorian Clinical Genetics Services, Murdoch Childrens Research Institute); PubMed 31126790 (cited by Victorian Clinical Genetics Services, Murdoch Childrens Research Institute).